The following is an entry in ClinVar:

NM_152743.4(BRAT1):c.743T>C (p.Leu248Pro)

Gene: BRAT1 (BRCA1 associated ATM activator 1; minus strand). Cytogenetic location: 7p22.3.
Variant type: single nucleotide variant.
Coding change: c.743T>C on transcript NM_152743.4 (MANE Select); coding-DNA position 743, T replaced by C.
Protein change: p.Leu248Pro; replaces leucine 248 with proline.
Molecular consequence: missense variant. On other transcripts: non-coding transcript variant (1).
Genome position (GRCh38, 1-based): chr7:2,543,650, A>G on the plus strand (T>C on the coding strand, the complement: BRAT1 is on the minus strand). VCF-style: chr7-2543650-A-G. GRCh37 (hg19) VCF-style: chr7-2583284-A-G.
Other names: c.743T>C, p.Leu248Pro (NM_001350626.2); c.218T>C, p.Leu73Pro (NM_001350627.2); short protein forms L248P, L73P.
Identifiers: ClinVar variation 2109771 (VCV002109771.4), dbSNP rs2534387337, ClinGen allele CA366631874.
Genomic context (GRCh38, chr7:2,543,650, plus strand): 5'-CGAGCCACACAGAGAAGCAGGTCCACGAACGAGTGTGCGGCGGGGATGGGGTCTCTCTCC[A>G]GCAGACAGGCCACGCGGGGACTCAGCCGCACCCACAGGGCTTCCGTCCAGGGGCTCTGGC-3'
Protein context (NP_689956.2, residues 238-258): VRLSPRVACL[Leu248Pro]ERDPIPAAHS

ClinVar aggregate classification (germline): Uncertain significance (1 of 4 stars; one submission).

Conditions:
Neonatal-onset encephalopathy with rigidity and seizures. Also called: Lethal neonatal spasticity-epileptic encephalopathy syndrome. Identifiers: Orphanet 435845, MedGen C3281029, MONDO:0013784, OMIM 614498.

Submission:

Labcorp Genetics (formerly Invitae), Labcorp
Classification: Uncertain significance for Neonatal-onset encephalopathy with rigidity and seizures. Last evaluated: 2022-03-12. Review status: criteria provided, single submitter. Criteria: Invitae Variant Classification Sherloc (09022015). Collection method: clinical testing. Allele origin: germline.
Comment: This sequence change replaces leucine, which is neutral and non-polar, with proline, which is neutral and non-polar, at codon 248 of the BRAT1 protein (p.Leu248Pro). This variant is not present in population databases (gnomAD no frequency). This variant has not been reported in the literature in individuals affected with BRAT1-related conditions. Algorithms developed to predict the effect of missense changes on protein structure and function are either unavailable or do not agree on the potential impact of this missense change (SIFT: "Deleterious"; PolyPhen-2: "Probably Damaging"; Align-GVGD: "Class C0"). In summary, the available evidence is currently insufficient to determine the role of this variant in disease. Therefore, it has been classified as a Variant of Uncertain Significance.